The following is an entry in ClinVar:

NM_001083926.2(ASRGL1):c.894T>A (p.Asp298Glu)

Gene: ASRGL1 (asparaginase and isoaspartyl peptidase 1; plus strand). Cytogenetic location: 11q12.3.
Variant type: single nucleotide variant.
Coding change: c.894T>A on transcript NM_001083926.2 (MANE Select); coding-DNA position 894, T replaced by A.
Protein change: p.Asp298Glu; replaces aspartic acid 298 with glutamic acid.
Molecular consequence: missense variant.
Genome position (GRCh38, 1-based): chr11:62,392,251, T>A. VCF-style: chr11-62392251-T-A. GRCh37 (hg19) VCF-style: chr11-62159723-T-A.
Other names: c.894T>A, p.Asp298Glu (NM_025080.4); short protein forms D298E.
Identifiers: ClinVar variation 1369849 (VCV001369849.6), dbSNP rs2134708034, ClinGen allele CA380871908.

ClinVar aggregate classification (germline): Uncertain significance (1 of 4 stars; one submission).

Submission:

Labcorp Genetics (formerly Invitae), Labcorp
Classification: Uncertain significance. Last evaluated: 2023-08-10. Review status: criteria provided, single submitter. Criteria: Invitae Variant Classification Sherloc (09022015). Collection method: clinical testing. Allele origin: germline.
Comment: Algorithms developed to predict the effect of missense changes on protein structure and function output the following: SIFT: "Not Available"; PolyPhen-2: "Benign"; Align-GVGD: "Not Available". The glutamic acid amino acid residue is found in multiple mammalian species, which suggests that this missense change does not adversely affect protein function. In summary, the available evidence is currently insufficient to determine the role of this variant in disease. Therefore, it has been classified as a Variant of Uncertain Significance. ClinVar contains an entry for this variant (Variation ID: 1369849). This variant has not been reported in the literature in individuals affected with ASRGL1-related conditions. This variant is not present in population databases (gnomAD no frequency). This sequence change replaces aspartic acid, which is acidic and polar, with glutamic acid, which is acidic and polar, at codon 298 of the ASRGL1 protein (p.Asp298Glu).